The following is an entry in ClinVar:

ClinVar aggregate classification (germline): Conflicting classifications of pathogenicity. Review status: criteria provided, conflicting classifications (1 of 4 stars). 4 submissions from 4 submitters: Uncertain significance (3); Likely benign (1). Last evaluated 2025-10-01.

Conditions:
Hereditary cancer-predisposing syndrome. Also called: Neoplastic Syndromes, Hereditary; Tumor predisposition; Hereditary Cancer Syndrome; Hereditary neoplastic syndrome. Identifiers: Orphanet 140162, MedGen C0027672, MeSH D009386, MONDO:0015356.
Nijmegen breakage syndrome-like disorder (NBSLD). Also called: MICROCEPHALY AND SPONTANEOUS CHROMOSOME INSTABILITY WITHOUT IMMUNODEFICIENCY; NBS-LIKE DISORDER; RAD50 DEFICIENCY. Identifiers: Orphanet 240760, MedGen C2751318, MONDO:0013118, OMIM 613078.

Allele frequency attached by ClinVar (database versions not stated): gnomAD 0.00001; TOPMed 0.00001.
gnomAD v4.1: 5 of 1,613,892 alleles (0.00031%); highest among the groups gnomAD compares: Admixed American, 0.0017%; no homozygotes.

Submissions (4):

Labcorp Genetics (formerly Invitae), Labcorp
Classification: Likely benign for Hereditary cancer-predisposing syndrome. Last evaluated: 2025-10-01. Review status: criteria provided, single submitter. Criteria: Invitae Variant Classification Sherloc (09022015). Collection method: clinical testing. Allele origin: germline.

Quest Diagnostics Nichols Institute San Juan Capistrano
Classification: Uncertain significance. Last evaluated: 2025-05-15. Review status: criteria provided, single submitter. Criteria: Quest Diagnostics criteria. Collection method: clinical testing. Allele origin: unknown.
Comment: The RAD50 c.3497G>T (p.Arg1166Leu) variant has not been reported in individuals with RAD50-related conditions in the published literature. The frequency of this variant in the general population (Genome Aggregation Database) is uninformative in the assessment of its pathogenicity. Analysis of this variant using bioinformatics tools for the prediction of the effect of amino acid changes on protein structure and function yielded conflicting predictions that this variant is benign or damaging. Based on the available information, we are unable to determine the clinical significance of this variant.

Ambry Genetics
Classification: Uncertain significance for Hereditary cancer-predisposing syndrome. Last evaluated: 2023-12-28. Review status: criteria provided, single submitter. Criteria: Ambry Variant Classification Scheme 2023. Collection method: clinical testing. Allele origin: germline.
Comment: The p.R1166L variant (also known as c.3497G>T), located in coding exon 23 of the RAD50 gene, results from a G to T substitution at nucleotide position 3497. The arginine at codon 1166 is replaced by leucine, an amino acid with dissimilar properties. This amino acid position is highly conserved in available vertebrate species. In addition, this alteration is predicted to be deleterious by in silico analysis. Since supporting evidence is limited at this time, the clinical significance of this alteration remains unclear.

Baylor Genetics
Classification: Uncertain significance for Nijmegen breakage syndrome-like disorder. Last evaluated: 2023-10-09. Review status: criteria provided, single submitter. Criteria: ACMG Guidelines, 2015. Collection method: clinical testing. Allele origin: unknown.

NM_005732.4(RAD50):c.3497G>T (p.Arg1166Leu)

Genes: TH2LCRR (T helper type 2 locus control region associated RNA; minus strand), TH2-LCR (Th2 cytokine locus control region; plus strand), RAD50 (RAD50 double strand break repair protein; plus strand). Cytogenetic location: 5q31.1.
Variant type: single nucleotide variant.
Coding change: c.3497G>T on transcript NM_005732.4 (MANE Select); coding-DNA position 3497, G replaced by T.
Protein change: p.Arg1166Leu; replaces arginine 1166 with leucine.
Molecular consequence: missense variant. On other transcripts: non-coding transcript variant (2).
Genome position (GRCh38, 1-based): chr5:132,638,102, G>T. VCF-style: chr5-132638102-G-T. GRCh37 (hg19) VCF-style: chr5-131973794-G-T.
Other names: short protein forms R1166L.
Identifiers: ClinVar variation 230386 (VCV000230386.18), dbSNP rs763145238, ClinGen allele CA10578603.
Genomic context (GRCh38, chr5:132,638,102, plus strand): 5'-AGCATAGGTTCCTCTAAAATATTCTTCTTCCTGTGTCAGATATTGAATACATAGAAATAC[G>T]GTCTGATGCCGATGAAAATGTATCAGCTTCTGATAAAAGGCGGAATTATAACTACCGAGT-3'
Protein context (NP_005723.2, residues 1156-1176): RGQDIEYIEI[Arg1166Leu]SDADENVSAS